The following is an entry in ClinVar:

NM_002293.4(LAMC1):c.882G>A (p.Glu294=)

Gene: LAMC1 (laminin subunit gamma 1; plus strand). Cytogenetic location: 1q25.3.
Variant type: single nucleotide variant.
Coding change: c.882G>A on transcript NM_002293.4 (MANE Select); coding-DNA position 882, G replaced by A.
Protein change: p.Glu294=; no amino-acid change (glutamic acid 294 retained).
Molecular consequence: synonymous variant.
Genome position (GRCh38, 1-based): chr1:183,110,515, G>A. VCF-style: chr1-183110515-G-A. GRCh37 (hg19) VCF-style: chr1-183079650-G-A.
Other names: NC_000001.10:g.183079650G>A.
Identifiers: ClinVar variation 1259085 (VCV001259085.6), dbSNP rs12086878, ClinGen allele CA1280944.

ClinVar aggregate classification (germline): Benign. Review status: criteria provided, multiple submitters, no conflicts (2 of 4 stars). 3 submissions from 3 submitters: Benign (2). 1 of the submissions does not count toward it. Last evaluated 2021-05-04.

Conditions:
LAMC1-related disorder. Also called: LAMC1-related condition.

Allele frequency attached by ClinVar (database versions not stated): gnomAD exomes 0.00289 and 0.00718; ExAC 0.00841; gnomAD 0.02551 and 0.02747; ESP Exome Variant Server 0.02653; 1000 Genomes Project 0.02656; 1000 Genomes Project 30x 0.02795; TOPMed 0.02874.

Submissions (18):

GeneDx
Classification: Benign. Last evaluated: 2021-05-04. Review status: criteria provided, single submitter. Criteria: GeneDx Variant Classification Process June 2021. Collection method: clinical testing. Allele origin: germline. Affected: yes.

Breakthrough Genomics
Classification: Benign. Review status: criteria provided, single submitter. Criteria: ACMG Guidelines, 2015. Collection method: not provided. Allele origin: germline. Inheritance: Unknown mechanism. Affected: yes.

PreventionGenetics, part of Exact Sciences
Classification: Benign for LAMC1-related condition. Last evaluated: 2019-09-06. Review status: no assertion criteria provided. Collection method: clinical testing. Allele origin: germline. Not counted in ClinVar's aggregate classification.
Comment: This variant is classified as benign based on ACMG/AMP sequence variant interpretation guidelines (Richards et al. 2015 PMID: 25741868, with internal and published modifications).

Dr. Peter K. Rogan Lab, Western University
No classification provided (evidence only). Condition: Clear cell carcinoma of kidney. Review status: no classification provided. Collection method: in vitro. Allele origin: not applicable. Functional consequence: retained intron. Not counted in ClinVar's aggregate classification.

Dr. Peter K. Rogan Lab, Western University
No classification provided (evidence only). Condition: Clear cell carcinoma of kidney. Review status: no classification provided. Collection method: in vitro. Allele origin: not applicable. Functional consequence: retained intron. Not counted in ClinVar's aggregate classification.

Dr. Peter K. Rogan Lab, Western University
No classification provided (evidence only). Condition: Colon adenocarcinoma. Review status: no classification provided. Collection method: in vitro. Allele origin: not applicable. Functional consequence: retained intron. Not counted in ClinVar's aggregate classification.

Dr. Peter K. Rogan Lab, Western University
No classification provided (evidence only). Condition: Colon adenocarcinoma. Review status: no classification provided. Collection method: in vitro. Allele origin: not applicable. Functional consequence: retained intron. Not counted in ClinVar's aggregate classification.

Dr. Peter K. Rogan Lab, Western University
No classification provided (evidence only). Condition: Colon adenocarcinoma. Review status: no classification provided. Collection method: in vitro. Allele origin: not applicable. Functional consequence: retained intron. Not counted in ClinVar's aggregate classification.

Dr. Peter K. Rogan Lab, Western University
No classification provided (evidence only). Condition: Colon adenocarcinoma. Review status: no classification provided. Collection method: in vitro. Allele origin: not applicable. Functional consequence: retained intron. Not counted in ClinVar's aggregate classification.

Dr. Peter K. Rogan Lab, Western University
No classification provided (evidence only). Condition: Colon adenocarcinoma. Review status: no classification provided. Collection method: in vitro. Allele origin: not applicable. Functional consequence: retained intron. Not counted in ClinVar's aggregate classification.

Dr. Peter K. Rogan Lab, Western University
No classification provided (evidence only). Condition: Thyroid cancer, nonmedullary, 1. Review status: no classification provided. Collection method: in vitro. Allele origin: not applicable. Functional consequence: retained intron. Not counted in ClinVar's aggregate classification.

Dr. Peter K. Rogan Lab, Western University
No classification provided (evidence only). Condition: Thyroid cancer, nonmedullary, 1. Review status: no classification provided. Collection method: in vitro. Allele origin: not applicable. Functional consequence: retained intron. Not counted in ClinVar's aggregate classification.

Dr. Peter K. Rogan Lab, Western University
No classification provided (evidence only). Condition: Uterine corpus endometrial carcinoma. Review status: no classification provided. Collection method: in vitro. Allele origin: not applicable. Functional consequence: retained intron. Not counted in ClinVar's aggregate classification.

Dr. Peter K. Rogan Lab, Western University
No classification provided (evidence only). Condition: Uterine corpus endometrial carcinoma. Review status: no classification provided. Collection method: in vitro. Allele origin: not applicable. Functional consequence: retained intron. Not counted in ClinVar's aggregate classification.

Dr. Peter K. Rogan Lab, Western University
No classification provided (evidence only). Condition: Cervical cancer. Review status: no classification provided. Collection method: in vitro. Allele origin: not applicable. Functional consequence: retained intron. Not counted in ClinVar's aggregate classification.

Dr. Peter K. Rogan Lab, Western University
No classification provided (evidence only). Condition: Sarcoma. Review status: no classification provided. Collection method: in vitro. Allele origin: not applicable. Functional consequence: retained intron. Not counted in ClinVar's aggregate classification.

Dr. Peter K. Rogan Lab, Western University
No classification provided (evidence only). Condition: Hepatocellular carcinoma. Review status: no classification provided. Collection method: in vitro. Allele origin: not applicable. Functional consequence: retained intron. Not counted in ClinVar's aggregate classification.

Dr. Peter K. Rogan Lab, Western University
No classification provided (evidence only). Condition: Cholangiocarcinoma. Review status: no classification provided. Collection method: in vitro. Allele origin: not applicable. Functional consequence: retained intron. Not counted in ClinVar's aggregate classification.